The following is an entry in ClinVar:

ClinVar aggregate classification (germline): Uncertain significance. Review status: criteria provided, multiple submitters, no conflicts (2 of 4 stars). 2 submissions from 2 submitters: Uncertain significance (2). Last evaluated 2023-07-11.

Conditions:
Joubert syndrome. Also called: Familial aplasia of the vermis; JOUBERT-BOLTSHAUSER SYNDROME. Identifiers: Orphanet 475, MedGen C5979921, MONDO:0018772.
Meckel-Gruber syndrome. Also called: DYSENCEPHALIA SPLANCHNOCYSTICA; Dysencephalia splachnocystica; GRUBER SYNDROME. Identifiers: Orphanet 564, MedGen C0265215, MONDO:0018921.

Allele frequency attached by ClinVar (database versions not stated): gnomAD exomes below 0.00001; gnomAD 0.00001; TOPMed 0.00003.
gnomAD v4.1: 7 of 1,551,142 alleles (0.00045%); highest among the groups gnomAD compares: African/African-American, 0.0082%; no homozygotes.

Submissions (2):

Blueprint Genetics
Classification: Uncertain significance. Last evaluated: 2023-07-11. Review status: criteria provided, single submitter. Criteria: ACMG Guidelines, 2015. Collection method: clinical testing. Allele origin: germline.

Labcorp Genetics (formerly Invitae), Labcorp
Classification: Uncertain significance for Joubert syndrome; Meckel-Gruber syndrome. Last evaluated: 2022-08-15. Review status: criteria provided, single submitter. Criteria: Invitae Variant Classification Sherloc (09022015). Collection method: clinical testing. Allele origin: germline.
Comment: This sequence change replaces arginine, which is basic and polar, with cysteine, which is neutral and slightly polar, at codon 16 of the MKS1 protein (p.Arg16Cys). This variant is not present in population databases (gnomAD no frequency). This variant has not been reported in the literature in individuals affected with MKS1-related conditions. ClinVar contains an entry for this variant (Variation ID: 1356039). Advanced modeling of protein sequence and biophysical properties (such as structural, functional, and spatial information, amino acid conservation, physicochemical variation, residue mobility, and thermodynamic stability) performed at Invitae indicates that this missense variant is expected to disrupt MKS1 protein function. In summary, the available evidence is currently insufficient to determine the role of this variant in disease. Therefore, it has been classified as a Variant of Uncertain Significance.

NM_017777.4(MKS1):c.46C>T (p.Arg16Cys)

Genes: MKS1 (MKS transition zone complex subunit 1; minus strand), LOC130061271 (ATAC-STARR-seq lymphoblastoid active region 12461; plus strand). Cytogenetic location: 17q22.
Variant type: single nucleotide variant.
Coding change: c.46C>T on transcript NM_017777.4 (MANE Select); coding-DNA position 46, C replaced by T.
Protein change: p.Arg16Cys; replaces arginine 16 with cysteine.
Molecular consequence: missense variant. On other transcripts: 5 prime UTR variant (1).
Genome position (GRCh38, 1-based): chr17:58,219,185, G>A on the plus strand (C>T on the coding strand, the complement: MKS1 is on the minus strand). VCF-style: chr17-58219185-G-A. GRCh37 (hg19) VCF-style: chr17-56296546-G-A.
Other names: c.-466C>T (NM_001321268.2); c.46C>T, p.Arg16Cys (NM_001321269.2, NM_001330397.2); short protein forms R16C.
Identifiers: ClinVar variation 1356039 (VCV001356039.4), dbSNP rs1011348762, ClinGen allele CA292016735.